The following is an entry in ClinVar:

NM_000051.4(ATM):c.8605G>T (p.Gly2869Cys)

Genes: ATM (ATM serine/threonine kinase; plus strand), C11orf65 (chromosome 11 open reading frame 65; minus strand). Cytogenetic location: 11q22.3.
Variant type: single nucleotide variant.
Coding change: c.8605G>T on transcript NM_000051.4 (MANE Select); coding-DNA position 8605, G replaced by T.
Protein change: p.Gly2869Cys; replaces glycine 2869 with cysteine.
Molecular consequence: missense variant. On other transcripts: intron variant (2).
Genome position (GRCh38, 1-based): chr11:108,347,299, G>T. VCF-style: chr11-108347299-G-T. GRCh37 (hg19) VCF-style: chr11-108218026-G-T.
Other names: c.641-38228C>A (NM_001330368.2); c.695-12007C>A (NM_001351110.2); c.8605G>T, p.Gly2869Cys (NM_001351834.2); short protein forms G2869C.
Identifiers: ClinVar variation 2851136 (VCV002851136.4), dbSNP rs748855312, ClinGen allele CA382520495.

ClinVar aggregate classification (germline): Uncertain significance. Review status: criteria provided, multiple submitters, no conflicts (2 of 4 stars). 2 submissions from 2 submitters: Uncertain significance (2). Last evaluated 2024-09-13.

Conditions:
Hereditary cancer-predisposing syndrome. Also called: Tumor predisposition; Neoplastic Syndromes, Hereditary; Hereditary Cancer Syndrome; Hereditary neoplastic syndrome. Identifiers: Orphanet 140162, MedGen C0027672, MeSH D009386, MONDO:0015356.
Ataxia-telangiectasia syndrome (AT). Also called: LOUIS-BAR SYNDROME; Cerebello-oculocutaneous telangiectasia; Immunodeficiency with ataxia telangiectasia; Ataxia telangiectasia (A-T); Ataxia-telangiectasia, complementation group D; AT, COMPLEMENTATION GROUP C. Identifiers: Orphanet 100, MedGen C0004135, MONDO:0008840, OMIM 208900.

Submissions (2):

Ambry Genetics
Classification: Uncertain significance for Hereditary cancer-predisposing syndrome. Last evaluated: 2024-09-13. Review status: criteria provided, single submitter. Criteria: Ambry Variant Classification Scheme 2023. Collection method: clinical testing. Allele origin: germline.
Comment: The p.G2869C variant (also known as c.8605G>T), located in coding exon 58 of the ATM gene, results from a G to T substitution at nucleotide position 8605. The glycine at codon 2869 is replaced by cysteine, an amino acid with highly dissimilar properties. This amino acid position is highly conserved in available vertebrate species. In addition, this alteration is predicted to be deleterious by in silico analysis. Based on the available evidence, the clinical significance of this variant remains unclear.

Labcorp Genetics (formerly Invitae), Labcorp
Classification: Uncertain significance for Ataxia-telangiectasia syndrome. Last evaluated: 2023-03-31. Review status: criteria provided, single submitter. Criteria: Invitae Variant Classification Sherloc (09022015). Collection method: clinical testing. Allele origin: germline.
Comment: This variant is not present in population databases (gnomAD no frequency). In summary, the available evidence is currently insufficient to determine the role of this variant in disease. Therefore, it has been classified as a Variant of Uncertain Significance. An algorithm developed to predict the effect of missense changes on protein structure and function (PolyPhen-2) suggests that this variant is likely to be disruptive. This variant has not been reported in the literature in individuals affected with ATM-related conditions. This sequence change replaces glycine, which is neutral and non-polar, with cysteine, which is neutral and slightly polar, at codon 2869 of the ATM protein (p.Gly2869Cys).